The following is an entry in ClinVar:

ClinVar aggregate classification (germline): Uncertain significance (1 of 4 stars; one submission).

gnomAD v4.1: 1 of 1,613,038 alleles (0.000062%); highest among the groups gnomAD compares: Non-Finnish European, 0.000085%; no homozygotes.

Submission:

Labcorp Genetics (formerly Invitae), Labcorp
Classification: Uncertain significance. Last evaluated: 2025-12-01. Review status: criteria provided, single submitter. Criteria: Invitae Variant Classification Sherloc (09022015). Collection method: clinical testing. Allele origin: germline.
Comment: This sequence change replaces arginine, which is basic and polar, with leucine, which is neutral and non-polar, at codon 551 of the TCF3 protein (p.Arg551Leu). This variant is present in population databases (no rsID available, gnomAD 0.0009%). This variant has not been reported in the literature in individuals affected with TCF3-related conditions. Invitae Evidence Modeling of protein sequence and biophysical properties (such as structural, functional, and spatial information, amino acid conservation, physicochemical variation, residue mobility, and thermodynamic stability) indicates that this missense variant is expected to disrupt TCF3 protein function with a positive predictive value of 80%. In summary, the available evidence is currently insufficient to determine the role of this variant in disease. Therefore, it has been classified as a Variant of Uncertain Significance.

NM_003200.5(TCF3):c.1652G>T (p.Arg551Leu)

Gene: TCF3 (transcription factor 3; minus strand). Cytogenetic location: 19p13.3.
Variant type: single nucleotide variant.
Coding change: c.1652G>T on transcript NM_003200.5 (MANE Select); coding-DNA position 1652, G replaced by T.
Protein change: p.Arg551Leu; replaces arginine 551 with leucine.
Molecular consequence: missense variant. On other transcripts: intron variant (2).
Genome position (GRCh38, 1-based): chr19:1,615,455, C>A on the plus strand (G>T on the coding strand, the complement: TCF3 is on the minus strand). VCF-style: chr19-1615455-C-A. GRCh37 (hg19) VCF-style: chr19-1615454-C-A.
Other names: c.1649G>T, p.Arg550Leu (NM_001351778.2); c.1586+231G>T (NM_001136139.4, NM_001351779.2); short protein forms R550L, R551L.
Identifiers: ClinVar variation 4739437 (VCV004739437.1).